The following is an entry in ClinVar:

NM_000277.3(PAH):c.506G>A (p.Arg169His)

Gene: PAH (phenylalanine hydroxylase; minus strand). Cytogenetic location: 12q23.2.
Variant type: single nucleotide variant.
Coding change: c.506G>A on transcript NM_000277.3 (MANE Select); coding-DNA position 506, G replaced by A.
Protein change: p.Arg169His; replaces arginine 169 with histidine.
Molecular consequence: missense variant.
Genome position (GRCh38, 1-based): chr12:102,866,599, C>T on the plus strand (G>A on the coding strand, the complement: PAH is on the minus strand). VCF-style: chr12-102866599-C-T. GRCh37 (hg19) VCF-style: chr12-103260377-C-T.
Other names: p.R169H:CGC>CAC; NM_000277.2(PAH):c.506G>A; c.506G>A, p.Arg169His (NM_001354304.2); c.506G>A (NM_000277.2); short protein forms R169H.
Identifiers: ClinVar variation 102706 (VCV000102706.96), dbSNP rs199475679, ClinGen allele CA286505.
Genomic context (GRCh38, chr12:102,866,599, plus strand): 5'-GAAGCAGGCTAGGGGTGTGTTTTTCTCTCTTCCCCTCAACAAGCAAGGCAGACTTACTGG[C>T]GGTAGTTGTAGGCAATGTCAGCAAACTGCTTCCGTCTTGCACGGTACACAGGATCTTTAA-3'
Protein context (NP_000268.1, residues 159-179): KQFADIAYNY[Arg169His]HGQPIPRVEY

ClinVar aggregate classification (germline): Likely pathogenic. Review status: reviewed by expert panel (3 of 4 stars). 32 submissions from 31 submitters: Likely pathogenic (1). 31 of the submissions do not count toward it. Last evaluated 2018-08-10.

Conditions:
Inborn genetic diseases. Identifiers: MedGen C0950123, MeSH D030342.
PAH-related disorder. Also called: PAH-related condition.
Pulmonary hypertension, primary, 1 (PPH1). Also called: Pulmonary hypertension, familial primary, 1, with or without HHT. Identifiers: Orphanet 422, MedGen C4552070, MONDO:0024533, OMIM 178600.
Phenylketonuria (PKU). Also called: FOLLING DISEASE; Phenylketonurias; OLIGOPHRENIA PHENYLPYRUVICA; Phenylketonuria (PKU). Identifiers: Orphanet 716, MedGen C0031485, MONDO:0009861, OMIM 261600. Disease mechanism: loss of function.
6-Pyruvoyl-tetrahydrobiopterin synthase deficiency. Also called: HYPERPHENYLALANINEMIA, TETRAHYDROBIOPTERIN-DEFICIENT, DUE TO PTS DEFICIENCY; BH4-deficient hyperphenylalaninemia A; 6-Pyruvoyltetrahydropterin Synthase Deficiency; PTS DEFICIENCY; Hyperphenylalanemia, BH4-deficient, A; Hyperphenylalaninemia due to 6-pyruvoyl-tetrahydropterin synthase deficiency. Identifiers: Orphanet 13, Orphanet 238583, MedGen C0878676, MONDO:0009863, OMIM 261640.

Allele frequency attached by ClinVar (database versions not stated): TOPMed 0.00018; gnomAD 0.00019 and 0.00020; ExAC 0.00026; gnomAD exomes 0.00030.
gnomAD v4.1: 324 of 1,612,298 alleles (0.02%); highest among the groups gnomAD compares: Middle Eastern, 0.082%; 1 homozygote.

Submissions 1 to 10 of 32:

ClinGen PAH Variant Curation Expert Panel
Classification: Likely pathogenic for Phenylketonuria. Last evaluated: 2018-08-10. Review status: reviewed by expert panel. Criteria: ClinGen PAH ACMG Specifications v1. Collection method: curation. Allele origin: germline. Inheritance: Autosomal recessive inheritance.
Comment: PAH-specific ACMG/AMP criteria applied: PP4_Moderate: This variant has been reported in multiple mild hyperphenylalaninaemia (MHP) patients, with BH4 defects excluded. Upgraded per ClinGen Metabolic workgroup. (PMID:10234516); PM3_Strong: Detected with P281L and A403V, both pathogenic variants (PMID:10234516). In summary this variant meets criteria to be classified as likely pathogenic for phenylketonuria in an autosomal recessive manner based on the ACMG/AMP criteria applied as specified by the PAH Expert Panel: (PP4_Moderate, PM3_Strong).

PreventionGenetics, part of Exact Sciences
Classification: Pathogenic for PAH-related condition. Last evaluated: 2026-07-01. Review status: criteria provided, single submitter. Criteria: ACMG Guidelines, 2015. Collection method: clinical testing. Allele origin: germline. Not counted in ClinVar's aggregate classification.
Comment: The PAH c.506G>A variant is predicted to result in the amino acid substitution p.Arg169His. This variant has previously been reported, in the compound heterozygous state with a second causative PAH variant, in multiple individuals with mild hyperphenylalaninemia (MHP) (see example: Desviat et al. 1999. PubMed ID: 10234516; Table 3, Bercovich et al. 2008. PubMed ID: 18299955; Table 1A, Réblová et al. 2013. PubMed ID: 23357515; Additional file 2, Liu et al. 2017. PubMed ID: 28982351; Table 2, Wang. 2018. PubMed ID: 29499199; Hillert. 2020. PubMed ID: 32668217; Table1, Kreile et al. 2020. PubMed ID: 33101986). Other variants affecting the same amino acid (p.Arg169Ser, p.Arg169Gly, p.Arg169Cys) and neighboring amino acids (e.g., p.Tyr168His, p.His170Asp) have been reported to be causative for phenylalanine hydroxylase deficiency (Human Gene Mutation Database). This variant is reported in 0.59% of alleles in individuals of Ashkenazi Jewish descent in gnomAD. It has been interpreted as likely pathogenic or pathogenic by multiple submitters to ClinVar, including the PAH Variant Curation Expert Panel (Variation ID: 102706). Taken together, this variant is interpreted as pathogenic.

Greenwood Genetic Center Diagnostic Laboratories, Greenwood Genetic Center
Classification: Likely pathogenic for Phenylketonuria. Last evaluated: 2026-04-01. Review status: criteria provided, single submitter. Criteria: ACMG Guidelines, 2015. Collection method: clinical testing. Allele origin: germline. Affected: yes. Not counted in ClinVar's aggregate classification.
Comment: PM3_Strong, PP4_Moderate

Labcorp Genetics (formerly Invitae), Labcorp
Classification: Pathogenic for Phenylketonuria. Last evaluated: 2026-01-20. Review status: criteria provided, single submitter. Criteria: Invitae Variant Classification Sherloc (09022015). Collection method: clinical testing. Allele origin: germline. Not counted in ClinVar's aggregate classification.
Comment: This sequence change replaces arginine, which is basic and polar, with histidine, which is basic and polar, at codon 169 of the PAH protein (p.Arg169His). This variant is present in population databases (rs199475679, gnomAD 0.7%), including at least one homozygous and/or hemizygous individual. This missense change has been observed in individual(s) with hyperphenylalaninemia (PMID: 10234516, 18299955, 21147011, 26666653, 28982351). ClinVar contains an entry for this variant (Variation ID: 102706). Invitae Evidence Modeling of protein sequence and biophysical properties (such as structural, functional, and spatial information, amino acid conservation, physicochemical variation, residue mobility, and thermodynamic stability) indicates that this missense variant is not expected to disrupt PAH protein function with a negative predictive value of 80%. This variant disrupts the p.Arg169 amino acid residue in PAH. Other variant(s) that disrupt this residue have been determined to be pathogenic (PMID: 26503515, 29499199, 30050108). This suggests that this residue is clinically significant, and that variants that disrupt this residue are likely to be disease-causing. For these reasons, this variant has been classified as Pathogenic.

Natera, Inc.
Classification: Pathogenic for Phenylketonuria. Last evaluated: 2025-08-15. Review status: criteria provided, single submitter. Criteria: Natera Variant Classification Schema (03/2026). Collection method: clinical testing. Allele origin: germline. Not counted in ClinVar's aggregate classification.
Comment: The c.506G>A variant in PAH is a missense variant predicted to cause substitution of arginine to histidine at amino acid 169. The frequency of this variant in the general population is greater than expected for disorder. This variant has been observed in one or more individuals affected with the associated recessive disease, as either homozygous or compound heterozygous with a second variant (PMID: 32668217). A different variant at the same position has been determined to be Pathogenic or Likely Pathogenic. Computational prediction algorithms indicate this variant is likely to affect gene or protein function. Given the available evidence, this variant is classified as Pathogenic.

Quest Diagnostics Nichols Institute San Juan Capistrano
Classification: Likely pathogenic. Last evaluated: 2025-06-03. Review status: criteria provided, single submitter. Criteria: Quest Diagnostics criteria. Collection method: clinical testing. Allele origin: unknown. Not counted in ClinVar's aggregate classification.
Comment: The PAH c.506G>A (p.Arg169His) variant has been reported in the published literature in several individuals affected with hyperphenylalaninemia (PMID: 10234516 (1999), 18294361 (2008), 18299955 (2008), 23357515 (2013), 26666653 (2015), 29499199 (2018), 31355225 (2019), 31623983 (2019)). The frequency of this variant in the general population (Genome Aggregation Database) is consistent with pathogenicity. Based on the available information, this variant is classified as likely pathogenic.

GeneDx
Classification: Pathogenic. Last evaluated: 2025-05-15. Review status: criteria provided, single submitter. Criteria: GeneDx Variant Classification Process June 2021. Collection method: clinical testing. Allele origin: germline. Affected: yes. Not counted in ClinVar's aggregate classification.
Comment: In silico analysis supports that this missense variant has a deleterious effect on protein structure/function; This variant is associated with the following publications: (PMID: 29789446, 29316886, 23357515, 26982749, 21147011, 12655553, 18294361, 11385716, 19015950, 33677757, 30311390, 29499199, 31355225, 34426522, 33101986, 18299955, 17924342, 31980526, 32668217, 26666653, 10234516, 35405047, 35355500, 34405919, 28982351, 31623983, 30050108, 26582918, 29997390, 35281663, 38706300, 38731816, 31947737, 37837865, 38532509)

Clinical Genetics Laboratory, University Hospital Schleswig-Holstein
Classification: Likely pathogenic for Phenylketonuria. Last evaluated: 2025-04-08. Review status: criteria provided, single submitter. Criteria: ACMG Guidelines, 2015. Collection method: clinical testing. Allele origin: maternal. Affected: yes. Observed: 1 compound heterozygote. Not counted in ClinVar's aggregate classification.
Comment: ACMG criteria applied: PM2, PP3, PP4, PM3_ Strong

Variantyx, Inc.
Classification: Likely pathogenic for Phenylketonuria. Last evaluated: 2025-03-16. Review status: criteria provided, single submitter. Criteria: Variantyx Assertion Criteria 2022. Collection method: clinical testing. Allele origin: maternal. Inheritance: Autosomal recessive inheritance. Not counted in ClinVar's aggregate classification.
Comment: This is a nonsynonymous variant in the PAH gene (OMIM: 612349). Pathogenic variants in this gene have been associated with autosomal recessive phenylketonuria. The MAF of the European (non-Finnish) is 0.0002 (PM2). Multiple computational algorithms predict a deleterious effect for this variant (REVEL score: 0.74) (PP3) and functional studies have confirmed a detrimental effect on protein function (PMID:33677757) (PS3). Additional variants involving this codon (p.Arg169Ser, p.Arg169Gly, and p.Arg169Cys) have been identified in individuals with phenylalanine hydroxylase deficiency and are classified as likely pathogenic or pathogenic (PM5). This variant has been reported in both homozygous and heterozygous conditions with other LP/P variants in multiple patients with hyperphenylalaninemia (PMID: 32668217, 10234516, 33677757) (PM3). Based on this evidence, this variant is classified as likely pathogenic for autosomal recessive phenylketonuria.

Revvity Omics, Revvity
Classification: Pathogenic for Phenylketonuria. Last evaluated: 2024-12-10. Review status: criteria provided, single submitter. Criteria: ACMG Guidelines, 2015. Collection method: clinical testing. Allele origin: germline. Not counted in ClinVar's aggregate classification.